The following is an entry in ClinVar:

ClinVar aggregate classification (germline): Conflicting classifications of pathogenicity. Review status: criteria provided, conflicting classifications (1 of 4 stars). 5 submissions from 5 submitters: Uncertain significance (1); Benign (1); Likely benign (2). 1 of the submissions does not count toward it. Last evaluated 2026-05-01.

Conditions:
IMPG2-related disorder. Also called: IMPG2-related condition.

Allele frequency attached by ClinVar (database versions not stated): gnomAD exomes 0.00006 and 0.00016; ExAC 0.00021; gnomAD 0.00047 and 0.00051; ESP Exome Variant Server 0.00062; TOPMed 0.00065; 1000 Genomes Project 0.00100; 1000 Genomes Project 30x 0.00109.
gnomAD v4.1: 171 of 1,613,246 alleles (0.011%); highest among the groups gnomAD compares: African/African-American, 0.21%; no homozygotes.

Submissions (5):

CeGaT Center for Human Genetics Tuebingen
Classification: Uncertain significance. Last evaluated: 2026-05-01. Review status: criteria provided, single submitter. Criteria: CeGaT Center For Human Genetics Tuebingen Variant Classification Criteria Version 2. Collection method: clinical testing. Allele origin: germline. Affected: yes. Observed: 1 variant allele.
Comment: IMPG2: PM2, BP4

Labcorp Genetics (formerly Invitae), Labcorp
Classification: Likely benign. Last evaluated: 2025-11-03. Review status: criteria provided, single submitter. Criteria: Invitae Variant Classification Sherloc (09022015). Collection method: clinical testing. Allele origin: germline.

Blueprint Genetics
Classification: Benign. Last evaluated: 2024-11-05. Review status: criteria provided, single submitter. Criteria: ACMG Guidelines, 2015. Collection method: clinical testing. Allele origin: germline.

Breakthrough Genomics
Classification: Likely benign. Review status: criteria provided, single submitter. Criteria: ACMG Guidelines, 2015. Collection method: not provided. Allele origin: germline. Inheritance: Autosomal recessive inheritance. Affected: yes.

PreventionGenetics, part of Exact Sciences
Classification: Likely benign for IMPG2-related condition. Last evaluated: 2023-11-21. Review status: no assertion criteria provided. Collection method: clinical testing. Allele origin: germline. Not counted in ClinVar's aggregate classification.
Comment: This variant is classified as likely benign based on ACMG/AMP sequence variant interpretation guidelines (Richards et al. 2015 PMID: 25741868, with internal and published modifications).

NM_016247.4(IMPG2):c.1151A>G (p.Asn384Ser)

Gene: IMPG2 (interphotoreceptor matrix proteoglycan 2; minus strand). Cytogenetic location: 3q12.3.
Variant type: single nucleotide variant.
Coding change: c.1151A>G on transcript NM_016247.4 (MANE Select); coding-DNA position 1151, A replaced by G.
Protein change: p.Asn384Ser; replaces asparagine 384 with serine.
Molecular consequence: missense variant.
Genome position (GRCh38, 1-based): chr3:101,257,531, T>C on the plus strand (A>G on the coding strand, the complement: IMPG2 is on the minus strand). VCF-style: chr3-101257531-T-C. GRCh37 (hg19) VCF-style: chr3-100976375-T-C.
Other names: short protein forms N384S.
Identifiers: ClinVar variation 850725 (VCV000850725.16), dbSNP rs140153716, ClinGen allele CA2519277.